The following is an entry in ClinVar:

ClinVar aggregate classification (germline): Uncertain significance. Review status: criteria provided, multiple submitters, no conflicts (2 of 4 stars). 3 submissions from 3 submitters: Uncertain significance (3). Last evaluated 2024-04-25.

Conditions:
Inborn genetic diseases. Identifiers: MedGen C0950123, MeSH D030342.
Autosomal dominant nonsyndromic hearing loss 4A. Also called: Deafness, autosomal dominant 4A. Identifiers: Orphanet 90635, MedGen C1833503, MONDO:0010915, OMIM 600652.

Allele frequency attached by ClinVar (database versions not stated): gnomAD exomes 0.00004; ExAC 0.00005; TOPMed 0.00005; 1000 Genomes Project 30x 0.00031; 1000 Genomes Project 0.00040.
gnomAD v4.1: 73 of 1,556,730 alleles (0.0047%); highest among the groups gnomAD compares: East Asian, 0.014%; no homozygotes.

Submissions (3):

Labcorp Genetics (formerly Invitae), Labcorp
Classification: Uncertain significance. Last evaluated: 2024-04-25. Review status: criteria provided, single submitter. Criteria: Invitae Variant Classification Sherloc (09022015). Collection method: clinical testing. Allele origin: germline.
Comment: This sequence change replaces proline, which is neutral and non-polar, with alanine, which is neutral and non-polar, at codon 709 of the MYH14 protein (p.Pro709Ala). This variant is present in population databases (rs552485033, gnomAD 0.02%). This variant has not been reported in the literature in individuals affected with MYH14-related conditions. ClinVar contains an entry for this variant (Variation ID: 894280). An algorithm developed to predict the effect of missense changes on protein structure and function (PolyPhen-2) suggests that this variant is likely to be tolerated. In summary, the available evidence is currently insufficient to determine the role of this variant in disease. Therefore, it has been classified as a Variant of Uncertain Significance.

Ambry Genetics
Classification: Uncertain significance for Inborn genetic diseases. Last evaluated: 2023-12-27. Review status: criteria provided, single submitter. Criteria: Ambry Variant Classification Scheme 2023. Collection method: clinical testing. Allele origin: germline.

Illumina Laboratory Services, Illumina
Classification: Uncertain significance for Autosomal dominant nonsyndromic hearing loss 4A. Last evaluated: 2018-01-12. Review status: criteria provided, single submitter. Criteria: ICSL Variant Classification Criteria 13 December 2019. Collection method: clinical testing. Allele origin: germline.

NM_001145809.2(MYH14):c.2248C>G (p.Pro750Ala)

Gene: MYH14 (myosin heavy chain 14; plus strand). Cytogenetic location: 19q13.33.
Variant type: single nucleotide variant.
Coding change: c.2248C>G on transcript NM_001145809.2 (MANE Select); coding-DNA position 2248, C replaced by G.
Protein change: p.Pro750Ala; replaces proline 750 with alanine.
Molecular consequence: missense variant.
Genome position (GRCh38, 1-based): chr19:50,259,159, C>G. VCF-style: chr19-50259159-C-G. GRCh37 (hg19) VCF-style: chr19-50762416-C-G.
Other names: c.2149C>G, p.Pro717Ala (NM_001077186.2); c.2125C>G, p.Pro709Ala (NM_024729.4); short protein forms P709A, P717A, P750A.
Identifiers: ClinVar variation 894280 (VCV000894280.7), dbSNP rs552485033, ClinGen allele CA9592836.
Genomic context (GRCh38, chr19:50,259,159, plus strand): 5'-CGTGTGGCCGCCGCTGACCCCCGCGTGTCCGTCCGCTCTCCCCAGGCCGGGAAGCTGGAG[C>G]CACGGCTGGTGCTGGACCAGCTTCGCTGCAACGGGGTCCTGGAGGGCATCCGCATCTGTC-3'
Protein context (NP_001139281.1, residues 740-760): NHEKRAGKLE[Pro750Ala]RLVLDQLRCN